The following is an entry in ClinVar:

NM_138927.4(SON):c.4609A>G (p.Asn1537Asp)

Gene: SON (SON DNA and RNA binding protein; plus strand). Cytogenetic location: 21q22.11.
Variant type: single nucleotide variant.
Coding change: c.4609A>G on transcript NM_138927.4 (MANE Select); coding-DNA position 4609, A replaced by G.
Protein change: p.Asn1537Asp; replaces asparagine 1537 with aspartic acid.
Molecular consequence: missense variant. On other transcripts: non-coding transcript variant (1), intron variant (1).
Genome position (GRCh38, 1-based): chr21:33,553,840, A>G. VCF-style: chr21-33553840-A-G. GRCh37 (hg19) VCF-style: chr21-34926146-A-G.
Other names: c.4609A>G, p.Asn1537Asp (NM_001291411.2, NM_032195.3); c.245-3316A>G (NM_001291412.3); short protein forms N1537D.
Identifiers: ClinVar variation 3608708 (VCV003608708.2).

ClinVar aggregate classification (germline): Uncertain significance (1 of 4 stars; one submission).

Submission:

Labcorp Genetics (formerly Invitae), Labcorp
Classification: Uncertain significance. Last evaluated: 2024-09-08. Review status: criteria provided, single submitter. Criteria: Invitae Variant Classification Sherloc (09022015). Collection method: clinical testing. Allele origin: germline.
Comment: This sequence change replaces asparagine, which is neutral and polar, with aspartic acid, which is acidic and polar, at codon 1537 of the SON protein (p.Asn1537Asp). This variant is present in population databases (rs374462553, gnomAD 0.002%). This variant has not been reported in the literature in individuals affected with SON-related conditions. An algorithm developed to predict the effect of missense changes on protein structure and function (PolyPhen-2) suggests that this variant is likely to be disruptive. In summary, the available evidence is currently insufficient to determine the role of this variant in disease. Therefore, it has been classified as a Variant of Uncertain Significance.